The following is an entry in ClinVar:

NM_019892.6(INPP5E):c.1746C>T (p.Ser582=)

Gene: INPP5E (inositol polyphosphate-5-phosphatase E; minus strand). Cytogenetic location: 9q34.3.
Variant type: single nucleotide variant.
Coding change: c.1746C>T on transcript NM_019892.6 (MANE Select); coding-DNA position 1746, C replaced by T.
Protein change: p.Ser582=; no amino-acid change (serine 582 retained).
Molecular consequence: synonymous variant.
Genome position (GRCh38, 1-based): chr9:136,430,333, G>A on the plus strand (C>T on the coding strand, the complement: INPP5E is on the minus strand). VCF-style: chr9-136430333-G-A. GRCh37 (hg19) VCF-style: chr9-139324785-G-A.
Other names: c.1743C>T, p.Ser581= (NM_001318502.2); c.1746C>T (NM_019892.5).
Identifiers: ClinVar variation 1594337 (VCV001594337.11), dbSNP rs888901624, ClinGen allele CA201638303.

ClinVar aggregate classification (germline): Likely benign. Review status: criteria provided, multiple submitters, no conflicts (2 of 4 stars). 3 submissions from 3 submitters: Likely benign (2). 1 of the submissions does not count toward it. Last evaluated 2024-03-26.

Conditions:
Joubert syndrome. Also called: Familial aplasia of the vermis; JOUBERT-BOLTSHAUSER SYNDROME. Identifiers: Orphanet 475, MedGen C5979921, MONDO:0018772.
INPP5E-related disorder. Also called: INPP5E-related condition.

Allele frequency attached by ClinVar (database versions not stated): gnomAD 0.00001; gnomAD exomes 0.00001 and 0.00002; TOPMed 0.00004.

Submissions (3):

Blueprint Genetics
Classification: Likely benign. Last evaluated: 2024-03-26. Review status: criteria provided, single submitter. Criteria: ACMG Guidelines, 2015. Collection method: clinical testing. Allele origin: germline.

Labcorp Genetics (formerly Invitae), Labcorp
Classification: Likely benign for Joubert syndrome. Last evaluated: 2023-05-27. Review status: criteria provided, single submitter. Criteria: Invitae Variant Classification Sherloc (09022015). Collection method: clinical testing. Allele origin: germline.

PreventionGenetics, part of Exact Sciences
Classification: Likely benign for INPP5E-related condition. Last evaluated: 2024-02-12. Review status: no assertion criteria provided. Collection method: clinical testing. Allele origin: germline. Not counted in ClinVar's aggregate classification.
Comment: This variant is classified as likely benign based on ACMG/AMP sequence variant interpretation guidelines (Richards et al. 2015 PMID: 25741868, with internal and published modifications).